The following is an entry in ClinVar:

ClinVar aggregate classification (germline): Uncertain significance (1 of 4 stars; one submission).

Conditions:
Familial hemophagocytic lymphohistiocytosis 5. Also called: STXBP2-Related Familial Hemophagocytic Lymphohistiocytosis (STXBP2-fHLH). Identifiers: Orphanet 540, MedGen C2751293, MONDO:0013135, OMIM 613101.

Submission:

Labcorp Genetics (formerly Invitae), Labcorp
Classification: Uncertain significance for Familial hemophagocytic lymphohistiocytosis 5. Last evaluated: 2021-06-06. Review status: criteria provided, single submitter. Criteria: Invitae Variant Classification Sherloc (09022015). Collection method: clinical testing. Allele origin: germline.
Comment: In summary, the available evidence is currently insufficient to determine the role of this variant in disease. Therefore, it has been classified as a Variant of Uncertain Significance. Nucleotide substitutions within the consensus splice site are a relatively common cause of aberrant splicing (PMID: 17576681, 9536098). Algorithms developed to predict the effect of sequence changes on RNA splicing suggest that this variant may disrupt the consensus splice site, but this prediction has not been confirmed by published transcriptional studies. This variant has not been reported in the literature in individuals with STXBP2-related conditions. This variant is not present in population databases (ExAC no frequency). This sequence change falls in intron 2 of the STXBP2 gene. It does not directly change the encoded amino acid sequence of the STXBP2 protein. It affects a nucleotide within the consensus splice site of the intron.

Literature cited by the submitters: PubMed 17576681; PubMed 9536098.

NM_006949.4(STXBP2):c.87+3A>T

Gene: STXBP2 (syntaxin binding protein 2; plus strand). Cytogenetic location: 19p13.2.
Variant type: single nucleotide variant.
Coding change: c.87+3A>T on transcript NM_006949.4 (MANE Select); 3 bases into the intron after coding-DNA position 87, A replaced by T.
Molecular consequence: intron variant.
Genome position (GRCh38, 1-based): chr19:7,638,778, A>T. VCF-style: chr19-7638778-A-T. GRCh37 (hg19) VCF-style: chr19-7703664-A-T.
Other names: c.87+3A>T (NM_001272034.2, NM_001127396.3).
Identifiers: ClinVar variation 1463177 (VCV001463177.6), dbSNP rs2146206238, ClinGen allele CA2573155929.